The following is an entry in ClinVar:

ClinVar aggregate classification (germline): Uncertain significance (1 of 4 stars; one submission).

gnomAD v4.1: 1 of 1,613,994 alleles (0.000062%); highest among the groups gnomAD compares: Non-Finnish European, 0.000085%; no homozygotes.

Submission:

CeGaT Center for Human Genetics Tuebingen
Classification: Uncertain significance. Last evaluated: 2023-06-01. Review status: criteria provided, single submitter. Criteria: CeGaT Center For Human Genetics Tuebingen Variant Classification Criteria Version 2. Collection method: clinical testing. Allele origin: germline. Affected: yes. Observed: 1 variant allele.
Comment: SCN11A: PM2

NM_001349253.2(SCN11A):c.2452G>T (p.Glu818Ter)

Gene: SCN11A (sodium voltage-gated channel alpha subunit 11; minus strand). Cytogenetic location: 3p22.2.
Variant type: single nucleotide variant.
Coding change: c.2452G>T on transcript NM_001349253.2 (MANE Select); coding-DNA position 2452, G replaced by T.
Protein change: p.Glu818Ter; replaces glutamic acid 818 with a stop codon.
Molecular consequence: nonsense.
Genome position (GRCh38, 1-based): chr3:38,894,916, C>A on the plus strand (G>T on the coding strand, the complement: SCN11A is on the minus strand). VCF-style: chr3-38894916-C-A. GRCh37 (hg19) VCF-style: chr3-38936407-C-A.
Other names: c.2452G>T, p.Glu818Ter (NM_014139.3); short protein forms E818*.
Identifiers: ClinVar variation 2653680 (VCV002653680.24), dbSNP rs1451028285, ClinGen allele CA352175114.
Genomic context (GRCh38, chr3:38,894,916, plus strand): 5'-GATCCAGTGCTAACTGGACTTTAGTTTTCCTGGCCTCTCCTTCTAAGTTTCCATTTCTTT[C>A]CTCATTGCTAAAGGAATTGAGCAGTAAGGCAATGAAGAGGTTGAGCACCTGGGAATGGGG-3'